The following is an entry in ClinVar:

NM_001379270.1(CNGA1):c.848G>A (p.Arg283Lys)

Genes: CNGA1 (cyclic nucleotide gated channel subunit alpha 1; minus strand), LOC101927157 (uncharacterized LOC101927157; plus strand). Cytogenetic location: 4p12.
Variant type: single nucleotide variant.
Coding change: c.848G>A on transcript NM_001379270.1 (MANE Select); coding-DNA position 848, G replaced by A.
Protein change: p.Arg283Lys; replaces arginine 283 with lysine.
Molecular consequence: missense variant.
Genome position (GRCh38, 1-based): chr4:47,937,634, C>T on the plus strand (G>A on the coding strand, the complement: CNGA1 is on the minus strand). VCF-style: chr4-47937634-C-T. GRCh37 (hg19) VCF-style: chr4-47939651-C-T.
Other names: c.848G>A, p.Arg283Lys (NM_000087.5, NM_001142564.2); short protein forms R283K.
Identifiers: ClinVar variation 901962 (VCV000901962.6), dbSNP rs577505007, ClinGen allele CA2911178.

ClinVar aggregate classification (germline): Uncertain significance. Review status: criteria provided, multiple submitters, no conflicts (2 of 4 stars). 2 submissions from 2 submitters: Uncertain significance (2). Last evaluated 2022-09-06.

Conditions:
Retinitis pigmentosa (RP). Identifiers: Orphanet 791, MedGen C0035334, MeSH D012174, MONDO:0019200, OMIM 268000. Inheritance: Autosomal dominant, autosomal recessive and X linked inheritance.

Allele frequency attached by ClinVar (database versions not stated): TOPMed 0.00001.
gnomAD v4.1: 28 of 1,614,118 alleles (0.0017%); highest among the groups gnomAD compares: East Asian, 0.062%; no homozygotes.

Submissions (2):

Labcorp Genetics (formerly Invitae), Labcorp
Classification: Uncertain significance. Last evaluated: 2022-09-06. Review status: criteria provided, single submitter. Criteria: Invitae Variant Classification Sherloc (09022015). Collection method: clinical testing. Allele origin: germline.
Comment: This sequence change replaces arginine, which is basic and polar, with lysine, which is basic and polar, at codon 287 of the CNGA1 protein (p.Arg287Lys). This variant is present in population databases (rs577505007, gnomAD 0.006%). This missense change has been observed in individual(s) with clinical features of inherited retinal dystrophy (PMID: 25268133, 33946315). This variant is also known as p.Arg356Lys. ClinVar contains an entry for this variant (Variation ID: 901962). Algorithms developed to predict the effect of missense changes on protein structure and function are either unavailable or do not agree on the potential impact of this missense change (SIFT: "Deleterious"; PolyPhen-2: "Benign"; Align-GVGD: "Class C25"). In summary, the available evidence is currently insufficient to determine the role of this variant in disease. Therefore, it has been classified as a Variant of Uncertain Significance.

Illumina Laboratory Services, Illumina
Classification: Uncertain significance for Retinitis pigmentosa. Last evaluated: 2017-04-28. Review status: criteria provided, single submitter. Criteria: ICSL Variant Classification Criteria 13 December 2019. Collection method: clinical testing. Allele origin: germline.
Comment: This variant was observed as part of a predisposition screen in an ostensibly healthy population. A literature search was performed for the gene, cDNA change, and amino acid change (where applicable). Publications were found based on this search. However, the evidence from the literature, in combination with allele frequency data from public databases where available, was not sufficient to rule this variant in or out of causing disease. Therefore, this variant is classified as a variant of unknown significance.

Literature cited by the submitters: PubMed 25268133 (cited by Labcorp Genetics (formerly Invitae), Labcorp and Illumina Laboratory Services, Illumina); PubMed 33946315 (cited by Labcorp Genetics (formerly Invitae), Labcorp).